The following is an entry in ClinVar:

NM_001111125.3(IQSEC2):c.157C>T (p.Gln53Ter)

Gene: IQSEC2 (IQ motif and Sec7 domain ArfGEF 2; minus strand). Cytogenetic location: Xp11.22.
Variant type: single nucleotide variant.
Coding change: c.157C>T on transcript NM_001111125.3 (MANE Select); coding-DNA position 157, C replaced by T.
Protein change: p.Gln53Ter; replaces glutamine 53 with a stop codon.
Molecular consequence: nonsense.
Genome position (GRCh38, 1-based): chrX:53,320,967, G>A on the plus strand (C>T on the coding strand, the complement: IQSEC2 is on the minus strand). VCF-style: chrX-53320967-G-A. GRCh37 (hg19) VCF-style: chrX-53350165-G-A.
Other names: c.157C>T, p.Gln53Ter (NM_001410736.1); short protein forms Q53*.
Identifiers: ClinVar variation 2751568 (VCV002751568.3), dbSNP rs2075426780, ClinGen allele CA413239981.

ClinVar aggregate classification (germline): Pathogenic (1 of 4 stars; one submission).

Conditions:
Intellectual developmental disorder, X-linked 1. Also called: MENTAL RETARDATION, X-LINKED 18; MENTAL RETARDATION, X-LINKED 78; Atkin Flaitz Patil Smith syndrome; Intellectual disability, X-linked 1. Identifiers: Orphanet 777, MedGen C2931498, MONDO:0010656, OMIM 309530.

Submission:

Labcorp Genetics (formerly Invitae), Labcorp
Classification: Pathogenic for Intellectual developmental disorder, X-linked 1. Last evaluated: 2024-11-18. Review status: criteria provided, single submitter. Criteria: Invitae Variant Classification Sherloc (09022015). Collection method: clinical testing. Allele origin: germline.
Comment: This sequence change creates a premature translational stop signal (p.Gln53*) in the IQSEC2 gene. It is expected to result in an absent or disrupted protein product. Loss-of-function variants in IQSEC2 are known to be pathogenic (PMID: 21686261, 26793055, 27665735). This variant is not present in population databases (gnomAD no frequency). This variant has not been reported in the literature in individuals affected with IQSEC2-related conditions. ClinVar contains an entry for this variant (Variation ID: 2751568). For these reasons, this variant has been classified as Pathogenic.

Literature cited by the submitters: PubMed 21686261; PubMed 26793055; PubMed 27665735.